The following is an entry in ClinVar:

NM_004530.6(MMP2):c.973C>T (p.Arg325Cys)

Gene: MMP2 (matrix metallopeptidase 2; plus strand). Cytogenetic location: 16q12.2.
Variant type: single nucleotide variant.
Coding change: c.973C>T on transcript NM_004530.6 (MANE Select); coding-DNA position 973, C replaced by T.
Protein change: p.Arg325Cys; replaces arginine 325 with cysteine.
Molecular consequence: missense variant.
Genome position (GRCh38, 1-based): chr16:55,488,683, C>T. VCF-style: chr16-55488683-C-T. GRCh37 (hg19) VCF-style: chr16-55522595-C-T.
Other names: c.823C>T, p.Arg275Cys (NM_001127891.3); c.745C>T, p.Arg249Cys (NM_001302508.1, NM_001302509.2, NM_001302510.2); short protein forms R325C, R275C, R249C.
Identifiers: ClinVar variation 4749134 (VCV004749134.1).

ClinVar aggregate classification (germline): Uncertain significance (1 of 4 stars; one submission).

gnomAD v4.1: 18 of 1,610,784 alleles (0.0011%); highest among the groups gnomAD compares: African/African-American, 0.0027%; no homozygotes.

Submission:

Labcorp Genetics (formerly Invitae), Labcorp
Classification: Uncertain significance. Last evaluated: 2025-07-09. Review status: criteria provided, single submitter. Criteria: Invitae Variant Classification Sherloc (09022015). Collection method: clinical testing. Allele origin: germline.
Comment: This sequence change replaces arginine, which is basic and polar, with cysteine, which is neutral and slightly polar, at codon 325 of the MMP2 protein (p.Arg325Cys). This variant is present in population databases (rs202049962, gnomAD 0.003%). This variant has not been reported in the literature in individuals affected with MMP2-related conditions. Invitae Evidence Modeling of protein sequence and biophysical properties (such as structural, functional, and spatial information, amino acid conservation, physicochemical variation, residue mobility, and thermodynamic stability) indicates that this missense variant is not expected to disrupt MMP2 protein function with a negative predictive value of 80%. In summary, the available evidence is currently insufficient to determine the role of this variant in disease. Therefore, it has been classified as a Variant of Uncertain Significance.